The following is an entry in ClinVar:

ClinVar aggregate classification (germline): Uncertain significance. Review status: criteria provided, multiple submitters, no conflicts (2 of 4 stars). 2 submissions from 2 submitters: Uncertain significance (2). Last evaluated 2022-11-25.

Conditions:
Charcot-Marie-Tooth disease type 2. Also called: Charcot-Marie-Tooth type 2. Identifiers: Orphanet 64746, MedGen C0270914, MONDO:0018993.

Allele frequency attached by ClinVar (database versions not stated): TOPMed below 0.00001; gnomAD 0.00001; gnomAD exomes below 0.00001.
gnomAD v4.1: 2 of 1,614,090 alleles (0.00012%); highest among the groups gnomAD compares: South Asian, 0.0011%; no homozygotes.

Submissions (2):

Mayo Clinic Laboratories, Mayo Clinic
Classification: Uncertain significance. Last evaluated: 2022-11-25. Review status: criteria provided, single submitter. Criteria: ACMG Guidelines, 2015. Collection method: clinical testing. Allele origin: germline. Observed: 1 variant allele.

Labcorp Genetics (formerly Invitae), Labcorp
Classification: Uncertain significance for Charcot-Marie-Tooth disease type 2. Last evaluated: 2022-01-11. Review status: criteria provided, single submitter. Criteria: Invitae Variant Classification Sherloc (09022015). Collection method: clinical testing. Allele origin: germline.
Comment: In summary, the available evidence is currently insufficient to determine the role of this variant in disease. Therefore, it has been classified as a Variant of Uncertain Significance. This sequence change replaces glutamine, which is neutral and polar, with histidine, which is basic and polar, at codon 953 of the AARS protein (p.Gln953His). This variant is present in population databases (no rsID available, gnomAD 0.007%). This variant has not been reported in the literature in individuals affected with AARS-related conditions. Algorithms developed to predict the effect of missense changes on protein structure and function are either unavailable or do not agree on the potential impact of this missense change (SIFT: "Deleterious"; PolyPhen-2: "Benign"; Align-GVGD: "Class C0").

NM_001605.3(AARS1):c.2859G>C (p.Gln953His)

Gene: AARS1 (alanyl-tRNA synthetase 1; minus strand). Cytogenetic location: 16q22.1.
Variant type: single nucleotide variant.
Coding change: c.2859G>C on transcript NM_001605.3 (MANE Select); coding-DNA position 2859, G replaced by C.
Protein change: p.Gln953His; replaces glutamine 953 with histidine.
Molecular consequence: missense variant.
Genome position (GRCh38, 1-based): chr16:70,252,769, C>G on the plus strand (G>C on the coding strand, the complement: AARS1 is on the minus strand). VCF-style: chr16-70252769-C-G. GRCh37 (hg19) VCF-style: chr16-70286672-C-G.
Other names: p.Gln953His; short protein forms Q953H.
Identifiers: ClinVar variation 2078432 (VCV002078432.5), dbSNP rs1171580366, ClinGen allele CA396553591.